The following is an entry in ClinVar:

NM_001382273.1(TNK2):c.1583C>G (p.Thr528Ser)

Gene: TNK2 (tyrosine kinase non receptor 2; minus strand). Cytogenetic location: 3q29.
Variant type: single nucleotide variant.
Coding change: c.1583C>G on transcript NM_001382273.1 (MANE Select); coding-DNA position 1583, C replaced by G.
Protein change: p.Thr528Ser; replaces threonine 528 with serine.
Molecular consequence: missense variant. On other transcripts: non-coding transcript variant (6), intron variant (15).
Genome position (GRCh38, 1-based): chr3:195,869,502, G>C on the plus strand (C>G on the coding strand, the complement: TNK2 is on the minus strand). VCF-style: chr3-195869502-G-C. GRCh37 (hg19) VCF-style: chr3-195596373-G-C.
Other names: c.1583C>G, p.Thr528Ser (NM_001382274.1, NM_001387716.1, NM_001387717.1 and 1 more transcripts); c.1679C>G, p.Thr560Ser (NM_001382275.1, NM_001387707.1); c.1655C>G, p.Thr552Ser (NM_001010938.2, NM_001382272.1); c.1543+612C>G (NM_001387720.1, NM_005781.5, NM_001386164.1 and 8 more transcripts); c.1615+612C>G (NM_001387715.1, NM_001387708.1); c.1639+612C>G (NM_001308046.2, NM_001382271.1); short protein forms T560S, T528S, T552S.
Identifiers: ClinVar variation 3459310 (VCV003459310.3).
Genomic context (GRCh38, chr3:195,869,502, plus strand): 5'-GTGAGAGAGAGGGGGCGGGGGCGGGGGCCAAGGCATCGGAAGCAGCCCCACTTACTCTGA[G>C]TGAAGAAGGCAGGCTGAGGTGGGCGAGGTGGAGGCTCCCCTGCAAGAAAGGCCATGCGGA-3'
Protein context (NP_001369202.1, residues 518-538): PPRPPQPAFF[Thr528Ser]QKPTYDPVSE

ClinVar aggregate classification (germline): Uncertain significance. Review status: criteria provided, multiple submitters, no conflicts (2 of 4 stars). 2 submissions from 2 submitters: Uncertain significance (2). Last evaluated 2024-10-06.

gnomAD v4.1: 216 of 1,550,820 alleles (0.014%); highest among the groups gnomAD compares: Non-Finnish European, 0.018%; no homozygotes.

Submissions (2):

Ambry Genetics
Classification: Uncertain significance. Last evaluated: 2024-10-06. Review status: criteria provided, single submitter. Criteria: Ambry Variant Classification Scheme 2023. Collection method: clinical testing. Allele origin: germline.

Labcorp Genetics (formerly Invitae), Labcorp
Classification: Uncertain significance. Last evaluated: 2024-03-10. Review status: criteria provided, single submitter. Criteria: Invitae Variant Classification Sherloc (09022015). Collection method: clinical testing. Allele origin: germline.
Comment: This sequence change replaces threonine, which is neutral and polar, with serine, which is neutral and polar, at codon 591 of the TNK2 protein (p.Thr591Ser). This variant is present in population databases (rs146442175, gnomAD 0.008%). This variant has not been reported in the literature in individuals affected with TNK2-related conditions. An algorithm developed to predict the effect of missense changes on protein structure and function (PolyPhen-2) suggests that this variant is likely to be tolerated. In summary, the available evidence is currently insufficient to determine the role of this variant in disease. Therefore, it has been classified as a Variant of Uncertain Significance.